The following is an entry in ClinVar:

ClinVar aggregate classification (germline): Pathogenic/Likely pathogenic. Review status: criteria provided, multiple submitters, no conflicts (2 of 4 stars). 2 submissions from 2 submitters: Pathogenic (1); Likely pathogenic (1). Last evaluated 2025-06-27.

Conditions:
Charcot-Marie-Tooth disease, type I (CMT1). Also called: Charcot-Marie-Tooth disease type 1; Charcot-Marie-Tooth, Type 1. Identifiers: Orphanet 65753, MedGen C0751036, MONDO:0019011.
Charcot-Marie-Tooth disease type 1B. Also called: CHARCOT-MARIE-TOOTH DISEASE, AUTOSOMAL DOMINANT, WITH FOCALLY FOLDED MYELIN SHEATHS, TYPE 1B; CHARCOT-MARIE-TOOTH DISEASE, SLOW NERVE CONDUCTION TYPE, LINKED TO DUFFY; CHARCOT-MARIE-TOOTH NEUROPATHY, TYPE 1B; Charcot-Marie-Tooth disease, demyelinating, type 1b; Hereditary motor and sensory neuropathy 1B; Charcot-Marie-Tooth disease, type IB. Identifiers: Orphanet 101082, MedGen C0270912, MONDO:0007307, OMIM 118200.

Submissions (2):

Labcorp Genetics (formerly Invitae), Labcorp
Classification: Likely pathogenic for Charcot-Marie-Tooth disease, type I. Last evaluated: 2025-06-27. Review status: criteria provided, single submitter. Criteria: Invitae Variant Classification Sherloc (09022015). Collection method: clinical testing. Allele origin: germline.
Comment: This sequence change replaces glycine, which is neutral and non-polar, with aspartic acid, which is acidic and polar, at codon 137 of the MPZ protein (p.Gly137Asp). This variant is not present in population databases (gnomAD no frequency). This missense change has been observed in individuals with clinical features of Charcot-Marie-Tooth disease (PMID: 24053775, 26310628, 33825325, 36203352; internal data). ClinVar contains an entry for this variant (Variation ID: 217233). An algorithm developed to predict the effect of missense changes on protein structure and function (PolyPhen-2) suggests that this variant is likely to be disruptive. Experimental studies have shown that this missense change does not substantially affect MPZ function (PMID: 29687021). This variant disrupts the p.Gly137 amino acid residue in MPZ. Other variant(s) that disrupt this residue have been determined to be pathogenic (PMID: 8664899, 11545686, 26310628; internal data). This suggests that this residue is clinically significant, and that variants that disrupt this residue are likely to be disease-causing. In summary, the currently available evidence indicates that the variant is pathogenic, but additional data are needed to prove that conclusively. Therefore, this variant has been classified as Likely Pathogenic.

Athena Diagnostics
Classification: Pathogenic for Charcot-Marie-Tooth disease, type IB. Last evaluated: 2015-09-03. Review status: criteria provided, single submitter. Criteria: Athena Diagnostics Criteria. Collection method: clinical testing. Allele origin: germline. Inheritance: Autosomal dominant inheritance.

Literature cited by the submitters: PubMed 24053775 (cited by Labcorp Genetics (formerly Invitae), Labcorp and Athena Diagnostics); PubMed 26310628 (cited by Labcorp Genetics (formerly Invitae), Labcorp); PubMed 33825325 (cited by Labcorp Genetics (formerly Invitae), Labcorp); PubMed 36203352 (cited by Labcorp Genetics (formerly Invitae), Labcorp); PubMed 29687021 (cited by Labcorp Genetics (formerly Invitae), Labcorp); PubMed 8664899 (cited by Labcorp Genetics (formerly Invitae), Labcorp); PubMed 11545686 (cited by Labcorp Genetics (formerly Invitae), Labcorp); PubMed 24444136 (cited by Athena Diagnostics).

NM_000530.8(MPZ):c.410G>A (p.Gly137Asp)

Gene: MPZ (myelin protein zero; minus strand). Cytogenetic location: 1q23.3.
Variant type: single nucleotide variant.
Coding change: c.410G>A on transcript NM_000530.8 (MANE Select); coding-DNA position 410, G replaced by A.
Protein change: p.Gly137Asp; replaces glycine 137 with aspartic acid.
Molecular consequence: missense variant.
Genome position (GRCh38, 1-based): chr1:161,306,746, C>T on the plus strand (G>A on the coding strand, the complement: MPZ is on the minus strand). VCF-style: chr1-161306746-C-T. GRCh37 (hg19) VCF-style: chr1-161276536-C-T.
Other names: c.410G>A (LRG_256t1); c.410G>A, p.Gly137Asp (NM_001315491.2); short protein forms G137D.
Identifiers: ClinVar variation 217233 (VCV000217233.2), dbSNP rs863225025, ClinGen allele CA279120.